The following is an entry in ClinVar:

NM_018368.4(LMBRD1):c.1509+19C>T

Gene: LMBRD1 (LMBR1 domain containing 1; minus strand). Cytogenetic location: 6q13.
Variant type: single nucleotide variant.
Coding change: c.1509+19C>T on transcript NM_018368.4 (MANE Select); 19 bases into the intron after coding-DNA position 1509, C replaced by T.
Molecular consequence: intron variant.
Genome position (GRCh38, 1-based): chr6:69,676,431, G>A on the plus strand (C>T on the coding strand, the complement: LMBRD1 is on the minus strand). VCF-style: chr6-69676431-G-A. GRCh37 (hg19) VCF-style: chr6-70386323-G-A.
Other names: c.1290+19C>T (NM_001367272.1, NM_001367271.1, NM_001363722.2).
Identifiers: ClinVar variation 384196 (VCV000384196.11), dbSNP rs200824654, ClinGen allele CA3879537.

ClinVar aggregate classification (germline): Benign/Likely benign. Review status: criteria provided, multiple submitters, no conflicts (2 of 4 stars). 3 submissions from 3 submitters: Benign (1); Likely benign (2). Last evaluated 2026-01-27.

Conditions:
Methylmalonic aciduria and homocystinuria type cblF. Also called: VITAMIN B12 LYSOSOMAL RELEASE DEFECT; VITAMIN B12 STORAGE DISEASE; COBALAMIN F DISEASE; COBALAMIN, DEFECT IN LYSOSOMAL RELEASE OF; METHYLMALONIC ACIDEMIA AND HOMOCYSTINURIA, cblF TYPE; METHYLMALONIC ACIDURIA DUE TO VITAMIN B12-RELEASE DEFECT. Identifiers: Orphanet 79284, MedGen C1848578, MONDO:0010183, OMIM 277380.

Allele frequency attached by ClinVar (database versions not stated): gnomAD 0.00083 and 0.00100; TOPMed 0.00096; ExAC 0.00133; 1000 Genomes Project 30x 0.00141; gnomAD exomes 0.00144; 1000 Genomes Project 0.00160; ESP Exome Variant Server 0.00077.
gnomAD v4.1: 1,276 of 1,600,082 alleles (0.08%); highest among the groups gnomAD compares: Middle Eastern, 0.73%; 13 homozygotes.

Submissions (3):

Labcorp Genetics (formerly Invitae), Labcorp
Classification: Benign for Methylmalonic aciduria and homocystinuria type cblF. Last evaluated: 2026-01-27. Review status: criteria provided, single submitter. Criteria: Invitae Variant Classification Sherloc (09022015). Collection method: clinical testing. Allele origin: germline.

GeneDx
Classification: Likely benign. Last evaluated: 2017-12-06. Review status: criteria provided, single submitter. Criteria: GeneDx Variant Classification (06012015). Collection method: clinical testing. Allele origin: germline. Affected: yes.
Comment: This variant is considered likely benign or benign based on one or more of the following criteria: it is a conservative change, it occurs at a poorly conserved position in the protein, it is predicted to be benign by multiple in silico algorithms, and/or has population frequency not consistent with disease.

Breakthrough Genomics
Classification: Likely benign. Review status: criteria provided, single submitter. Criteria: ACMG Guidelines, 2015. Collection method: not provided. Allele origin: germline. Inheritance: Autosomal recessive inheritance. Affected: yes.